The following is an entry in ClinVar:

ClinVar aggregate classification (germline): Benign/Likely benign. Review status: criteria provided, multiple submitters, no conflicts (2 of 4 stars). 21 submissions from 20 submitters: Benign (8); Likely benign (8). 5 of the submissions do not count toward it. Last evaluated 2026-08-01.

Conditions:
Fanconi anemia, complementation group S (FANCS). Identifiers: MedGen C4554406, MONDO:0054748, OMIM 617883.
Breast-ovarian cancer, familial, susceptibility to, 1 (BROVCA1). Also called: OVARIAN CANCER, SUSCEPTIBILITY TO; BRCA1 Hereditary Breast and Ovarian Cancer. Identifiers: Orphanet 145, MedGen C2676676, MONDO:0011450, OMIM 604370. Disease mechanism: loss of function.
Familial cancer of breast. Also called: Hereditary breast cancer; BREAST CANCER, FAMILIAL; hereditary breast carcinoma. Identifiers: Orphanet 227535, MedGen C0346153, MONDO:0016419, OMIM 114480. Disease mechanism: loss of function.
BRCA1-related cancer predisposition. Identifiers: MedGen CN377757, MONDO:0700268.
Hereditary cancer-predisposing syndrome. Also called: Neoplastic Syndromes, Hereditary; Tumor predisposition; Hereditary Cancer Syndrome; Hereditary neoplastic syndrome. Identifiers: Orphanet 140162, MedGen C0027672, MeSH D009386, MONDO:0015356.
Breast and/or ovarian cancer. Identifiers: MedGen CN221562.
Hereditary breast ovarian cancer syndrome. Also called: Hereditary breast and/or ovarian cancer syndrome; Hereditary breast and ovarian cancer syndrome; Hereditary breast and ovarian cancer; Hereditary breast and ovarian cancer syndrome (HBOC); Breast and ovarian cancer; BRCA1- and BRCA2-Associated Hereditary Breast and Ovarian Cancer. Identifiers: Orphanet 145, MedGen C0677776, MeSH D061325, MONDO:0003582. Disease mechanism: loss of function.
Malignant tumor of breast. Also called: Malignant breast neoplasm; Cancer breast. Identifiers: MedGen C0006142, MONDO:0007254. Disease mechanism: loss of function.

Allele frequency attached by ClinVar (database versions not stated): 1000 Genomes Project 30x 0.00078; 1000 Genomes Project 0.00080; ESP Exome Variant Server 0.00092; TOPMed 0.00112.
gnomAD v4.1: 347 of 1,614,128 alleles (0.021%); highest among the groups gnomAD compares: African/African-American, 0.44%; 3 homozygotes.

Submissions (21):

CeGaT Center for Human Genetics Tuebingen
Classification: Likely benign. Last evaluated: 2026-08-01. Review status: criteria provided, single submitter. Criteria: CeGaT Center For Human Genetics Tuebingen Variant Classification Criteria Version 2. Collection method: clinical testing. Allele origin: germline. Affected: yes. Observed: 1 variant allele.
Comment: BRCA1: BS2

Labcorp Genetics (formerly Invitae), Labcorp
Classification: Benign for Hereditary breast ovarian cancer syndrome. Last evaluated: 2026-02-02. Review status: criteria provided, single submitter. Criteria: Invitae Variant Classification Sherloc (09022015). Collection method: clinical testing. Allele origin: germline.

Dasa
Classification: Likely benign for Breast-ovarian cancer, familial, susceptibility to, 1. Last evaluated: 2025-12-26. Review status: criteria provided, single submitter. Criteria: DASA Assertion Criteria. Collection method: clinical testing. Allele origin: germline.
Comment: NM_007294.4(BRCA1):c.3600G>C (p.Gln1200His) is a missense variant that results in the substitution of glutamine with histidine. Population frequency is inconsistent with a disease-causing role for this variant, and the variant context is inconsistent with a known disease-causing mechanism. Therefore, based on the currently available evidence, this variant is classified as likely benign.

ARUP Laboratories, Molecular Genetics and Genomics, ARUP Laboratories
Classification: Benign. Last evaluated: 2025-07-11. Review status: criteria provided, single submitter. Criteria: ARUP Molecular Germline Variant Investigation Process 2024. Collection method: clinical testing. Allele origin: germline.

Blueprint Genetics
Classification: Likely benign. Last evaluated: 2024-10-15. Review status: criteria provided, single submitter. Criteria: ACMG Guidelines, 2015. Collection method: clinical testing. Allele origin: germline.

All of Us Research Program, National Institutes of Health
Classification: Likely benign for BRCA1-related cancer predisposition. Last evaluated: 2024-09-23. Review status: criteria provided, single submitter. Criteria: ACMG Guidelines, 2015. Collection method: clinical testing. Allele origin: germline. Inheritance: Autosomal dominant inheritance. Observed: 105 variant alleles, 104 heterozygotes, 1 homozygote.
Comment: This study involves interpretation of variants in research participants for the purpose of population health screening. Participant phenotype was not available at the time of variant classification. Additional details can be found in publication PMID: 35346344, PMCID: PMC8962531

National Health Laboratory Service, Universitas Academic Hospital and University of the Free State
Classification: Likely benign for Hereditary breast ovarian cancer syndrome. Last evaluated: 2021-11-16. Review status: criteria provided, single submitter. Criteria: ACMG Guidelines, 2015. Collection method: clinical testing. Allele origin: germline. Affected: yes. Observed: 3 variant alleles.

Sema4
Classification: Benign for Hereditary cancer-predisposing syndrome. Last evaluated: 2021-01-28. Review status: criteria provided, single submitter. Criteria: Sema4 Curation Guidelines. Collection method: curation. Allele origin: germline.

Genetic Services Laboratory, University of Chicago
Classification: Likely benign. Last evaluated: 2017-05-02. Review status: criteria provided, single submitter. Criteria: ACMG Guidelines, 2015. Collection method: clinical testing. Allele origin: germline. Affected: no.

PreventionGenetics, part of Exact Sciences
Classification: Benign. Last evaluated: 2017-04-25. Review status: criteria provided, single submitter. Criteria: ACMG Guidelines, 2015. Collection method: clinical testing. Allele origin: germline.

Institute for Biomarker Research, Medical Diagnostic Laboratories, L.L.C.
Classification: Likely benign for Hereditary breast and ovarian cancer syndrome(HBOC). Last evaluated: 2017-02-14. Review status: criteria provided, single submitter. Criteria: ACMG Guidelines, 2015. Collection method: clinical testing. Allele origin: germline.

Color Diagnostics, LLC DBA Color Health
Classification: Likely benign for Hereditary cancer-predisposing syndrome. Last evaluated: 2015-11-17. Review status: criteria provided, single submitter. Criteria: ACMG Guidelines, 2015. Collection method: clinical testing. Allele origin: germline.

Ambry Genetics
Classification: Benign for Hereditary cancer-predisposing syndrome. Last evaluated: 2014-11-18. Review status: criteria provided, single submitter. Criteria: Ambry Variant Classification Scheme 2023. Collection method: clinical testing. Allele origin: germline.

Molecular Genetics Laboratory, University of Michigan
Classification: Benign for Breast-ovarian cancer, familial, susceptibility to, 1. Last evaluated: 2014-11-03. Review status: criteria provided, single submitter. Criteria: ACMG Guidelines, 2015. Collection method: clinical testing. Allele origin: germline. Affected: yes.

GeneDx
Classification: Benign. Last evaluated: 2014-02-05. Review status: criteria provided, single submitter. Criteria: GeneDx Variant Classification (06012015). Collection method: clinical testing. Allele origin: germline. Affected: yes.
Comment: This variant is considered likely benign or benign based on one or more of the following criteria: it is a conservative change, it occurs at a poorly conserved position in the protein, it is predicted to be benign by multiple in silico algorithms, and/or has population frequency not consistent with disease.

Department of Pathology and Laboratory Medicine, Sinai Health System
Classification: Benign for Familial cancer of breast; Breast-ovarian cancer, familial, susceptibility to, 1; Fanconi anemia, complementation group S. Last evaluated: 2014-02-03. Review status: criteria provided, single submitter. Criteria: ACMG Guidelines, 2015. Collection method: clinical testing. Allele origin: germline. Affected: yes.

Counsyl
Classification: Likely benign for Breast-ovarian cancer, familial 1. Last evaluated: 2014-09-03. Review status: no assertion criteria provided. Collection method: literature only. Allele origin: unknown. Inheritance: Autosomal dominant inheritance. Not counted in ClinVar's aggregate classification.

Foulkes Cancer Genetics LDI, Lady Davis Institute for Medical Research
Classification: Benign for Breast and/or ovarian cancer. Last evaluated: 2013-11-04. Review status: no assertion criteria provided. Collection method: clinical testing. Allele origin: germline. Study: The Canadian Open Genetics Repository (COGR). Not counted in ClinVar's aggregate classification.

ITMI
No classification provided. Condition: AllHighlyPenetrant. Last evaluated: 2013-09-19. Review status: no classification provided. Collection method: reference population. Allele origin: germline. Not counted in ClinVar's aggregate classification.
Comment: Please see associated publication for description of ethnicities

Breast Cancer Information Core (BIC) (BRCA1)
Classification: Benign for Breast-ovarian cancer, familial 1. Last evaluated: 2002-05-29. Review status: no assertion criteria provided. Collection method: clinical testing. Allele origin: germline. Affected: yes. Observed: 17 variant alleles. Not counted in ClinVar's aggregate classification.

Department of Pathology and Laboratory Medicine, Sinai Health System
Classification: Benign for Malignant tumor of breast. Review status: no assertion criteria provided. Collection method: clinical testing. Allele origin: unknown. Affected: yes. Study: The Canadian Open Genetics Repository (COGR). Not counted in ClinVar's aggregate classification.
Comment: The BRCA1 p.Gln1200His variant was identified in at least 11 of 122840 proband chromosomes (frequency 0.005) from individuals or families with breast cancer, ovarian cancer or prostate cancer, and was identified in 1 of 2892 control chromosomes (frequency: 0.0003) (Anczukow 2008, Capanu 2011, Caux-Moncoutier 2011, Judkins 2005, Lee 2008, McKean-Cowdin 2005, Newman 1998, Osorio 2007, Zuhlke 2004). The variant was also identified in the HGMD, UMD (7X as a neutral variant), and the BIC database (17X with no clinical importance). The variant was listed in UMD with a co-occurring pathogenic mutation in BRCA1 (c.5041insATTA (p.Thr1681IlefsX3)), and Judkins (2005) also identified the variant in trans with a pathogenic BRCA1 mutation (BRCA1 4730insG), increasing the likelihood that this variant does not have clinical importance. The variant was listed in dbSNP (ID: rs56214134) with a minor allele frequency of 0.001 (1000 Genomes Project), and in the NHLBI Exome Sequencing Project with a frequency of 0.003 in African American alleles, increasing the likelihood that this may be a low frequency benign variant in certain populations of origin. This residue is not conserved in mammals and lower organisms and computational analyses (PolyPhen-2, SIFT, AlignGVGD, BLOSUM) do not suggest a high likelihood of impact to the protein. However, this information is not predictive enough to rule out pathogenicity. A functional study by Anczukow (2008) did not detect an effect of the variant on intron 11 splicing efficiency. In addition, two in silico studies using multifactorial likelihood ratio models suggest that this is likely a neutral variant (Lindor 2012, Osorio 2007). In summary, based on the above information, this variant meets our laboratory's criteria to be classified as benign.

Literature cited by the submitters: DOI 10.3389/fgene.2022.834265 (cited by National Health Laboratory Service, Universitas Academic Hospital and University of the Free State); PubMed 18273839 (cited by Department of Pathology and Laboratory Medicine, Sinai Health System); PubMed 21520273 (cited by Department of Pathology and Laboratory Medicine, Sinai Health System); PubMed 21120943 (cited by Department of Pathology and Laboratory Medicine, Sinai Health System); PubMed 16267036 (cited by Department of Pathology and Laboratory Medicine, Sinai Health System and Counsyl); PubMed 18284688 (cited by Department of Pathology and Laboratory Medicine, Sinai Health System and Counsyl); PubMed 21990134 (cited by Department of Pathology and Laboratory Medicine, Sinai Health System); PubMed 15726418 (cited by Department of Pathology and Laboratory Medicine, Sinai Health System and Counsyl); PubMed 9544765 (cited by Department of Pathology and Laboratory Medicine, Sinai Health System); PubMed 17279547 (cited by Department of Pathology and Laboratory Medicine, Sinai Health System and Counsyl); PubMed 15447980 (cited by Department of Pathology and Laboratory Medicine, Sinai Health System); PubMed 22034289 (cited by Counsyl); PubMed 20104584 (cited by Counsyl); PubMed 24728327 (cited by ITMI).

NM_007294.4(BRCA1):c.3600G>C (p.Gln1200His)

Genes: BRCA1 (BRCA1 DNA repair associated; minus strand), LOC126862571 (BRD4-independent group 4 enhancer GRCh37_chr17:41243136-41244335; plus strand). Cytogenetic location: 17q21.31.
Variant type: single nucleotide variant.
Coding change: c.3600G>C on transcript NM_007294.4 (MANE Select); coding-DNA position 3600, G replaced by C.
Protein change: p.Gln1200His; replaces glutamine 1200 with histidine.
Molecular consequence: missense variant. On other transcripts: intron variant (135).
Genome position (GRCh38, 1-based): chr17:43,091,931, C>G on the plus strand (G>C on the coding strand, the complement: BRCA1 is on the minus strand). VCF-style: chr17-43091931-C-G. GRCh37 (hg19) VCF-style: chr17-41243948-C-G.
Other names: p.Q1200H:CAG>CAC; NP_009225.1:p.Gln1200His; c.3387G>C, p.Gln1129His (NM_001407571.1, NM_001407853.1, NM_001407894.1 and 9 more transcripts); c.3600G>C, p.Gln1200His (NM_001407581.1, NM_001407582.1, NM_001407602.1 and 30 more transcripts); c.3597G>C, p.Gln1199His (NM_001407610.1, NM_001407611.1, NM_001407612.1 and 22 more transcripts); c.3591G>C, p.Gln1197His (NM_001407646.1, NM_001407647.1); c.3477G>C, p.Gln1159His (NM_001407648.1, NM_001407664.1, NM_001407665.1 and 19 more transcripts); c.3474G>C, p.Gln1158His (NM_001407649.1, NM_001407670.1, NM_001407671.1 and 11 more transcripts); and 43 more; short protein forms Q1200H, Q1153H, Q1072H, Q1112H, Q1129H, Q1130H, Q1133H, Q1174H.
Identifiers: ClinVar variation 54930 (VCV000054930.63), dbSNP rs56214134, ClinGen allele CA002299.